The following is an entry in ClinVar:

NM_006231.4(POLE):c.6783T>G (p.Ile2261Met)

Gene: POLE (DNA polymerase epsilon, catalytic subunit; minus strand). Cytogenetic location: 12q24.33.
Variant type: single nucleotide variant.
Coding change: c.6783T>G on transcript NM_006231.4 (MANE Select); coding-DNA position 6783, T replaced by G.
Protein change: p.Ile2261Met; replaces isoleucine 2261 with methionine.
Molecular consequence: missense variant.
Genome position (GRCh38, 1-based): chr12:132,624,775, A>C on the plus strand (T>G on the coding strand, the complement: POLE is on the minus strand). VCF-style: chr12-132624775-A-C. GRCh37 (hg19) VCF-style: chr12-133201361-A-C.
Other names: short protein forms I2261M.
Identifiers: ClinVar variation 861516 (VCV000861516.9), dbSNP rs2041795371, ClinGen allele CA387365810.
Genomic context (GRCh38, chr12:132,624,775, plus strand): 5'-GTTCTTCTGCAGCAGCCACTCCAGGGTCTCCAGGAGGTACGACATGCCGTAGTGCTGGGC[A>C]ATGTTCCGGAATATTCCGATCTGTTCCATGAAGACCTGCAGGAATAAACAGGCACAGTGA-3'
Protein context (NP_006222.2, residues 2251-2271): FMEQIGIFRN[Ile2261Met]AQHYGMSYLL

ClinVar aggregate classification (germline): Uncertain significance (1 of 4 stars; one submission).

Submission:

Labcorp Genetics (formerly Invitae), Labcorp
Classification: Uncertain significance. Last evaluated: 2024-01-26. Review status: criteria provided, single submitter. Criteria: Invitae Variant Classification Sherloc (09022015). Collection method: clinical testing. Allele origin: germline.
Comment: This sequence change replaces isoleucine, which is neutral and non-polar, with methionine, which is neutral and non-polar, at codon 2261 of the POLE protein (p.Ile2261Met). This variant is not present in population databases (gnomAD no frequency). This variant has not been reported in the literature in individuals affected with POLE-related conditions. ClinVar contains an entry for this variant (Variation ID: 861516). Advanced modeling of protein sequence and biophysical properties (such as structural, functional, and spatial information, amino acid conservation, physicochemical variation, residue mobility, and thermodynamic stability) has been performed at Invitae for this missense variant, however the output from this modeling did not meet the statistical confidence thresholds required to predict the impact of this variant on POLE protein function. In summary, the available evidence is currently insufficient to determine the role of this variant in disease. Therefore, it has been classified as a Variant of Uncertain Significance.